The following is an entry in ClinVar:

NM_013296.5(GPSM2):c.1094G>T (p.Arg365Leu)

Gene: GPSM2 (G protein signaling modulator 2; plus strand). Cytogenetic location: 1p13.3.
Variant type: single nucleotide variant.
Coding change: c.1094G>T on transcript NM_013296.5 (MANE Select); coding-DNA position 1094, G replaced by T.
Protein change: p.Arg365Leu; replaces arginine 365 with leucine.
Molecular consequence: missense variant.
Genome position (GRCh38, 1-based): chr1:108,904,156, G>T. VCF-style: chr1-108904156-G-T. GRCh37 (hg19) VCF-style: chr1-109446778-G-T.
Other names: c.1094G>T, p.Arg365Leu (NM_001321038.2, NM_001321039.3); short protein forms R365L.
Identifiers: ClinVar variation 1490221 (VCV001490221.8), dbSNP rs751581246, ClinGen allele CA341465143.

ClinVar aggregate classification (germline): Uncertain significance (1 of 4 stars; one submission).

gnomAD v4.1: 1 of 1,599,696 alleles (0.000063%); highest among the groups gnomAD compares: Non-Finnish European, 0.000086%; no homozygotes.

Submission:

Labcorp Genetics (formerly Invitae), Labcorp
Classification: Uncertain significance. Last evaluated: 2021-05-10. Review status: criteria provided, single submitter. Criteria: Invitae Variant Classification Sherloc (09022015). Collection method: clinical testing. Allele origin: germline.
Comment: This variant has not been reported in the literature in individuals with GPSM2-related conditions. Algorithms developed to predict the effect of missense changes on protein structure and function (SIFT, PolyPhen-2, Align-GVGD) all suggest that this variant is likely to be tolerated, but these predictions have not been confirmed by published functional studies and their clinical significance is uncertain. In summary, the available evidence is currently insufficient to determine the role of this variant in disease. Therefore, it has been classified as a Variant of Uncertain Significance. This variant is not present in population databases (ExAC no frequency). This sequence change replaces arginine with leucine at codon 365 of the GPSM2 protein (p.Arg365Leu). The arginine residue is highly conserved and there is a moderate physicochemical difference between arginine and leucine.